The following is an entry in ClinVar:

ClinVar aggregate classification (germline): Likely pathogenic (1 of 4 stars; one submission).

Conditions:
Pyridoxine-dependent epilepsy (EPEO4). Also called: Pyridoxine-Dependent Seizures; EPILEPSY, EARLY-ONSET, 4, VITAMIN B6-DEPENDENT; PYRIDOXINE DEPENDENCY WITH SEIZURES; Pyridoxine-Dependent Epilepsy - ALDH7A1. Identifiers: Orphanet 3006, MedGen C1849508, MONDO:0009945, OMIM 266100. Disease mechanism: loss of function.

Submission:

Labcorp Genetics (formerly Invitae), Labcorp
Classification: Likely pathogenic for Pyridoxine-dependent epilepsy. Last evaluated: 2025-08-29. Review status: criteria provided, single submitter. Criteria: Invitae Variant Classification Sherloc (09022015). Collection method: clinical testing. Allele origin: germline.
Comment: This sequence change replaces serine, which is neutral and polar, with glycine, which is neutral and non-polar, at codon 458 of the ALDH7A1 protein (p.Ser458Gly). This variant is not present in population databases (gnomAD no frequency). This variant has not been reported in the literature in individuals affected with ALDH7A1-related conditions. Invitae Evidence Modeling of protein sequence and biophysical properties (such as structural, functional, and spatial information, amino acid conservation, physicochemical variation, residue mobility, and thermodynamic stability) indicates that this missense variant is expected to disrupt ALDH7A1 protein function with a positive predictive value of 95%. This variant disrupts the p.Ser458 amino acid residue in ALDH7A1. Other variant(s) that disrupt this residue have been determined to be pathogenic (PMID: 17068770, 22784480, 30043187). This suggests that this residue is clinically significant, and that variants that disrupt this residue are likely to be disease-causing. In summary, the currently available evidence indicates that the variant is pathogenic, but additional data are needed to prove that conclusively. Therefore, this variant has been classified as Likely Pathogenic.

Literature cited by the submitters: PubMed 17068770; PubMed 22784480; PubMed 30043187.

NM_001182.5(ALDH7A1):c.1372A>G (p.Ser458Gly)

Gene: ALDH7A1 (aldehyde dehydrogenase 7 family member A1; minus strand). Cytogenetic location: 5q23.2.
Variant type: single nucleotide variant.
Coding change: c.1372A>G on transcript NM_001182.5 (MANE Select); coding-DNA position 1372, A replaced by G.
Protein change: p.Ser458Gly; replaces serine 458 with glycine.
Molecular consequence: missense variant.
Genome position (GRCh38, 1-based): chr5:126,550,239, T>C on the plus strand (A>G on the coding strand, the complement: ALDH7A1 is on the minus strand). VCF-style: chr5-126550239-T-C. GRCh37 (hg19) VCF-style: chr5-125885931-T-C.
Other names: c.1288A>G, p.Ser430Gly (NM_001201377.2); c.1180A>G, p.Ser394Gly (NM_001202404.2); short protein forms S394G, S430G, S458G.
Identifiers: ClinVar variation 4801534 (VCV004801534.1).